The following is an entry in ClinVar:

NM_001261826.3(AP3D1):c.2581_2592del (p.Lys861_Lys864del)

Gene: AP3D1 (adaptor related protein complex 3 subunit delta 1; minus strand). Cytogenetic location: 19p13.3.
Variant type: Deletion.
Coding change: c.2581_2592del on transcript NM_001261826.3 (MANE Select); coding-DNA positions 2581 to 2592, 12 bases deleted (AAGAAGGAGAAG).
Protein change: p.Lys861_Lys864del.
Molecular consequence: inframe deletion.
Genome position (GRCh38, 1-based): chr19:2,114,134-2,114,145, CTTCTCCTTCTT deleted on the plus strand (AAGAAGGAGAAG on the coding strand, the reverse complement: AP3D1 is on the minus strand); deleting any 12 consecutive bases within chr19:2,114,134-2,114,154 gives the same sequence; the c. name uses the placement nearest the transcript's 3' end. VCF-style (leftmost placement, unchanged base first): chr19-2114133-CCTTCTCCTTCTT-C. GRCh37 (hg19) VCF-style: chr19-2114132-CCTTCTCCTTCTT-C.
Other names: c.2581_2592del, p.Lys861_Lys864del (NM_001374799.1, NM_003938.8).
Identifiers: ClinVar variation 2168636 (VCV002168636.4), dbSNP rs2018366623, ClinGen allele CA2318123259.

ClinVar aggregate classification (germline): Uncertain significance (1 of 4 stars; one submission).

Submission:

Labcorp Genetics (formerly Invitae), Labcorp
Classification: Uncertain significance. Last evaluated: 2022-03-18. Review status: criteria provided, single submitter. Criteria: Invitae Variant Classification Sherloc (09022015). Collection method: clinical testing. Allele origin: germline.
Comment: This variant, c.2581_2592del, results in the deletion of 4 amino acid(s) of the AP3D1 protein (p.Lys861_Lys864del), but otherwise preserves the integrity of the reading frame. This variant is not present in population databases (gnomAD no frequency). This variant has not been reported in the literature in individuals affected with AP3D1-related conditions. Experimental studies and prediction algorithms are not available or were not evaluated, and the functional significance of this variant is currently unknown. In summary, the available evidence is currently insufficient to determine the role of this variant in disease. Therefore, it has been classified as a Variant of Uncertain Significance.